The following is an entry in ClinVar:

ClinVar aggregate classification (germline): Uncertain significance. Review status: criteria provided, multiple submitters, no conflicts (2 of 4 stars). 4 submissions from 4 submitters: Uncertain significance (4). Last evaluated 2026-01-26.

Conditions:
Hereditary cancer-predisposing syndrome. Also called: Neoplastic Syndromes, Hereditary; Hereditary Cancer Syndrome; Tumor predisposition; Hereditary neoplastic syndrome. Identifiers: Orphanet 140162, MedGen C0027672, MeSH D009386, MONDO:0015356.
Familial adenomatous polyposis 3. Also called: NTHL1-associated polyposis; NTHL1-related attenuated familial adenomatous polyposis; NTHL1-Related Adenomatous Polyposis and Colorectal Cancer; NTHL1 Tumor Syndrome. Identifiers: Orphanet 220460, Orphanet 454840, MedGen C4225157, MONDO:0014630, OMIM 616415.

Allele frequency attached by ClinVar (database versions not stated): gnomAD 0.00001; TOPMed 0.00002.
gnomAD v4.1: 3 of 1,588,500 alleles (0.00019%); highest among the groups gnomAD compares: Non-Finnish European, 0.00026%; no homozygotes.

Submissions (4):

Labcorp Genetics (formerly Invitae), Labcorp
Classification: Uncertain significance. Last evaluated: 2026-01-26. Review status: criteria provided, single submitter. Criteria: Invitae Variant Classification Sherloc (09022015). Collection method: clinical testing. Allele origin: germline.
Comment: This sequence change replaces leucine, which is neutral and non-polar, with valine, which is neutral and non-polar, at codon 23 of the NTHL1 protein (p.Leu23Val). This variant is not present in population databases (gnomAD no frequency). This variant has not been reported in the literature in individuals affected with NTHL1-related conditions. ClinVar contains an entry for this variant (Variation ID: 647913). An algorithm developed to predict the effect of missense changes on protein structure and function (PolyPhen-2) suggests that this variant is likely to be tolerated. In summary, the available evidence is currently insufficient to determine the role of this variant in disease. Therefore, it has been classified as a Variant of Uncertain Significance.

Ambry Genetics
Classification: Uncertain significance for Hereditary cancer-predisposing syndrome. Last evaluated: 2025-03-31. Review status: criteria provided, single submitter. Criteria: Ambry Variant Classification Scheme 2023. Collection method: clinical testing. Allele origin: germline.
Comment: The p.L23V variant (also known as c.67C>G), located in coding exon 1 of the NTHL1 gene, results from a C to G substitution at nucleotide position 67. The leucine at codon 23 is replaced by valine, an amino acid with highly similar properties. This amino acid position is poorly conserved in available vertebrate species. In addition, this alteration is predicted to be tolerated by in silico analysis. Since supporting evidence is limited at this time, the clinical significance of this alteration remains unclear.

Baylor Genetics
Classification: Uncertain significance for Familial adenomatous polyposis 3. Last evaluated: 2024-02-22. Review status: criteria provided, single submitter. Criteria: ACMG Guidelines, 2015. Collection method: clinical testing. Allele origin: unknown.

GeneDx
Classification: Uncertain significance. Last evaluated: 2023-07-06. Review status: criteria provided, single submitter. Criteria: GeneDx Variant Classification Process June 2021. Collection method: clinical testing. Allele origin: germline. Affected: yes.
Comment: Not observed at significant frequency in large population cohorts (gnomAD); In silico analysis supports that this missense variant does not alter protein structure/function; Has not been previously published as pathogenic or benign to our knowledge

NM_002528.7(NTHL1):c.43C>G (p.Leu15Val)

Gene: NTHL1 (nth like DNA glycosylase 1; minus strand). Cytogenetic location: 16p13.3.
Variant type: single nucleotide variant.
Coding change: c.43C>G on transcript NM_002528.7 (MANE Select); coding-DNA position 43, C replaced by G.
Protein change: p.Leu15Val; replaces leucine 15 with valine.
Molecular consequence: missense variant. On other transcripts: 5 prime UTR variant (1).
Genome position (GRCh38, 1-based): chr16:2,047,781, G>C on the plus strand (C>G on the coding strand, the complement: NTHL1 is on the minus strand). VCF-style: chr16-2047781-G-C. GRCh37 (hg19) VCF-style: chr16-2097782-G-C.
Other names: c.43C>G, p.Leu15Val (NM_001318193.2, LRG_1366t1); c.-136C>G (NM_001318194.2); short protein forms L15V.
Identifiers: ClinVar variation 647913 (VCV000647913.14), dbSNP rs931865828, ClinGen allele CA276766738.